The following is an entry in ClinVar:

NM_024577.4(SH3TC2):c.268A>G (p.Met90Val)

Gene: SH3TC2 (SH3 domain and tetratricopeptide repeats 2; minus strand). Cytogenetic location: 5q32.
Variant type: single nucleotide variant.
Coding change: c.268A>G on transcript NM_024577.4 (MANE Select); coding-DNA position 268, A replaced by G.
Protein change: p.Met90Val; replaces methionine 90 with valine.
Molecular consequence: missense variant.
Genome position (GRCh38, 1-based): chr5:149,047,873, T>C on the plus strand (A>G on the coding strand, the complement: SH3TC2 is on the minus strand). VCF-style: chr5-149047873-T-C. GRCh37 (hg19) VCF-style: chr5-148427436-T-C.
Other names: p.Met90Val; short protein forms M90V.
Identifiers: ClinVar variation 4541075 (VCV004541075.1).

ClinVar aggregate classification (germline): Uncertain significance (1 of 4 stars; one submission).

gnomAD v4.1: 2 of 1,614,132 alleles (0.00012%); highest among the groups gnomAD compares: Non-Finnish European, 0.00017%; no homozygotes.

Submission:

Mayo Clinic Laboratories, Mayo Clinic
Classification: Uncertain significance. Last evaluated: 2025-10-09. Review status: criteria provided, single submitter. Criteria: ACMG Guidelines, 2015. Collection method: clinical testing. Allele origin: germline. Observed: 1 variant allele.
Comment: BP4_moderate, PM2_supporting